The following is an entry in ClinVar:

ClinVar aggregate classification (germline): Uncertain significance (1 of 4 stars; one submission).

Allele frequency attached by ClinVar (database versions not stated): gnomAD 0.00001; TOPMed 0.00001.
gnomAD v4.1: 2 of 1,613,990 alleles (0.00012%); highest among the groups gnomAD compares: African/African-American, 0.0027%; no homozygotes.

Submission:

Labcorp Genetics (formerly Invitae), Labcorp
Classification: Uncertain significance. Last evaluated: 2021-08-24. Review status: criteria provided, single submitter. Criteria: Invitae Variant Classification Sherloc (09022015). Collection method: clinical testing. Allele origin: germline.
Comment: This sequence change replaces alanine with valine at codon 1865 of the CAD protein (p.Ala1865Val). The alanine residue is weakly conserved and there is a small physicochemical difference between alanine and valine. This variant is not present in population databases (ExAC no frequency). This variant has not been reported in the literature in individuals affected with CAD-related conditions. Algorithms developed to predict the effect of missense changes on protein structure and function (SIFT, PolyPhen-2, Align-GVGD) all suggest that this variant is likely to be tolerated. In summary, the available evidence is currently insufficient to determine the role of this variant in disease. Therefore, it has been classified as a Variant of Uncertain Significance.

NM_004341.5(CAD):c.5594C>T (p.Ala1865Val)

Gene: CAD (carbamoyl-phosphate synthetase 2, aspartate transcarbamylase, and dihydroorotase; plus strand). Cytogenetic location: 2p23.3.
Variant type: single nucleotide variant.
Coding change: c.5594C>T on transcript NM_004341.5 (MANE Select); coding-DNA position 5594, C replaced by T.
Protein change: p.Ala1865Val; replaces alanine 1865 with valine.
Molecular consequence: missense variant.
Genome position (GRCh38, 1-based): chr2:27,240,911, C>T. VCF-style: chr2-27240911-C-T. GRCh37 (hg19) VCF-style: chr2-27463779-C-T.
Other names: c.5405C>T, p.Ala1802Val (NM_001306079.2); short protein forms A1802V, A1865V.
Identifiers: ClinVar variation 1405961 (VCV001405961.5), dbSNP rs1004171793, ClinGen allele CA44519058.